The following is an entry in ClinVar:

ClinVar aggregate classification (germline): Uncertain significance (1 of 4 stars; one submission).

Conditions:
Autoimmune lymphoproliferative syndrome, type III caused by mutation in PRKCD. Identifiers: Orphanet 3261, Orphanet 664711, MedGen C3809928, MONDO:8000024, OMIM 615559.

Allele frequency attached by ClinVar (database versions not stated): gnomAD 0.00002; 1000 Genomes Project 30x 0.00016; gnomAD exomes 0.00002; ExAC 0.00002.
gnomAD v4.1: 20 of 1,614,202 alleles (0.0012%); highest among the groups gnomAD compares: South Asian, 0.022%; no homozygotes.

Submission:

Labcorp Genetics (formerly Invitae), Labcorp
Classification: Uncertain significance for Autoimmune lymphoproliferative syndrome, type III caused by mutation in PRKCD. Last evaluated: 2021-09-24. Review status: criteria provided, single submitter. Criteria: Invitae Variant Classification Sherloc (09022015). Collection method: clinical testing. Allele origin: germline.
Comment: This sequence change replaces glutamic acid with aspartic acid at codon 497 of the PRKCD protein (p.Glu497Asp). The glutamic acid residue is highly conserved and there is a small physicochemical difference between glutamic acid and aspartic acid. This variant is present in population databases (rs781785325, ExAC 0.02%). This variant has not been reported in the literature in individuals with PRKCD-related conditions. Algorithms developed to predict the effect of missense changes on protein structure and function (SIFT, PolyPhen-2, Align-GVGD) all suggest that this variant is likely to be disruptive, but these predictions have not been confirmed by published functional studies and their clinical significance is uncertain. In summary, the available evidence is currently insufficient to determine the role of this variant in disease. Therefore, it has been classified as a Variant of Uncertain Significance.

NM_006254.4(PRKCD):c.1491G>T (p.Glu497Asp)

Gene: PRKCD (protein kinase C delta; plus strand). Cytogenetic location: 3p21.1.
Variant type: single nucleotide variant.
Coding change: c.1491G>T on transcript NM_006254.4 (MANE Select); coding-DNA position 1491, G replaced by T.
Protein change: p.Glu497Asp; replaces glutamic acid 497 with aspartic acid.
Molecular consequence: missense variant.
Genome position (GRCh38, 1-based): chr3:53,188,795, G>T. VCF-style: chr3-53188795-G-T. GRCh37 (hg19) VCF-style: chr3-53222811-G-T.
Other names: c.1491G>T, p.Glu497Asp (NM_001316327.2, NM_001354679.2, NM_001354680.2 and 1 more transcripts); c.1548G>T, p.Glu516Asp (NM_001354676.2); c.1539G>T, p.Glu513Asp (NM_001354678.2); short protein forms E513D, E516D, E497D.
Identifiers: ClinVar variation 1435707 (VCV001435707.5), dbSNP rs781785325, ClinGen allele CA2452203.